The following is an entry in ClinVar:

NM_201253.3(CRB1):c.512C>G (p.Ser171Cys)

Gene: CRB1 (crumbs cell polarity complex component 1; plus strand). Cytogenetic location: 1q31.3.
Variant type: single nucleotide variant.
Coding change: c.512C>G on transcript NM_201253.3 (MANE Select); coding-DNA position 512, C replaced by G.
Protein change: p.Ser171Cys; replaces serine 171 with cysteine.
Molecular consequence: missense variant. On other transcripts: non-coding transcript variant (2).
Genome position (GRCh38, 1-based): chr1:197,328,863, C>G. VCF-style: chr1-197328863-C-G. GRCh37 (hg19) VCF-style: chr1-197297993-C-G.
Other names: c.512C>G, p.Ser171Cys (NM_001193640.2, NM_001257966.2); c.305C>G, p.Ser102Cys (NM_001257965.2); short protein forms S171C, S102C.
Identifiers: ClinVar variation 957510 (VCV000957510.7), dbSNP rs763841981, ClinGen allele CA1311646.

ClinVar aggregate classification (germline): Uncertain significance. Review status: criteria provided, single submitter (1 of 4 stars). 2 submissions from 2 submitters: Uncertain significance (1). 1 of the submissions does not count toward it. Last evaluated 2021-08-24.

Conditions:
Retinitis pigmentosa 12 (RP12). Also called: RP WITH OR WITHOUT PPRPE; RP WITH OR WITHOUT PRESERVED PARAARTERIOLE RETINAL PIGMENT EPITHELIUM; RETINITIS PIGMENTOSA WITH OR WITHOUT PARAARTERIOLAR PRESERVATION OF RETINAL PIGMENT EPITHELIUM. Identifiers: Orphanet 791, MedGen C1838647, MONDO:0010818, OMIM 600105.
Leber congenital amaurosis 8 (LCA8). Identifiers: Orphanet 65, MedGen C3151202, MONDO:0013453, OMIM 613835.
Leber congenital amaurosis (LCA). Also called: Leber's amaurosis. Identifiers: Orphanet 65, MedGen C0339527, MeSH D057130, MONDO:0018998.

Allele frequency attached by ClinVar (database versions not stated): gnomAD exomes below 0.00001; ExAC 0.00001.
gnomAD v4.1: 3 of 1,614,182 alleles (0.00019%); highest among the groups gnomAD compares: Non-Finnish European, 0.00025%; no homozygotes.

Submissions (2):

Labcorp Genetics (formerly Invitae), Labcorp
Classification: Uncertain significance for Leber congenital amaurosis 8; Retinitis pigmentosa 12. Last evaluated: 2021-08-24. Review status: criteria provided, single submitter. Criteria: Invitae Variant Classification Sherloc (09022015). Collection method: clinical testing. Allele origin: germline.
Comment: This sequence change replaces serine with cysteine at codon 171 of the CRB1 protein (p.Ser171Cys). The serine residue is highly conserved and there is a moderate physicochemical difference between serine and cysteine. This variant is present in population databases (rs763841981, ExAC 0.002%). This variant has not been reported in the literature in individuals affected with CRB1-related conditions. Algorithms developed to predict the effect of missense changes on protein structure and function (SIFT, PolyPhen-2, Align-GVGD) all suggest that this variant is likely to be disruptive. In summary, the available evidence is currently insufficient to determine the role of this variant in disease. Therefore, it has been classified as a Variant of Uncertain Significance.

Natera, Inc.
Classification: Uncertain significance for Leber congenital amaurosis. Last evaluated: 2020-04-15. Review status: no assertion criteria provided. Collection method: clinical testing. Allele origin: germline. Not counted in ClinVar's aggregate classification.